The following is an entry in ClinVar:

NM_032242.4(PLXNA1):c.3451G>C (p.Val1151Leu)

Gene: PLXNA1 (plexin A1; plus strand). Cytogenetic location: 3q21.3.
Variant type: single nucleotide variant.
Coding change: c.3451G>C on transcript NM_032242.4 (MANE Select); coding-DNA position 3451, G replaced by C.
Protein change: p.Val1151Leu; replaces valine 1151 with leucine.
Molecular consequence: missense variant.
Genome position (GRCh38, 1-based): chr3:127,017,599, G>C. VCF-style: chr3-127017599-G-C. GRCh37 (hg19) VCF-style: chr3-126736442-G-C.
Other names: short protein forms V1151L.
Identifiers: ClinVar variation 4998663 (VCV004998663.1).

ClinVar aggregate classification (germline): Uncertain significance (1 of 4 stars; one submission).

Conditions:
PLXNA1-related disorder. Also called: PLXNA1-related condition.

gnomAD v4.1: 1 of 1,613,542 alleles (0.000062%); highest among the groups gnomAD compares: Non-Finnish European, 0.000085%; no homozygotes.

Submission:

PreventionGenetics, part of Exact Sciences
Classification: Uncertain significance for PLXNA1-related condition. Last evaluated: 2025-03-17. Review status: criteria provided, single submitter. Criteria: ACMG Guidelines, 2015. Collection method: clinical testing. Allele origin: germline.
Comment: The PLXNA1 c.3451G>C variant is predicted to result in the amino acid substitution p.Val1151Leu. To our knowledge, this variant has not been reported in the literature or in a large population database (gnomAD), indicating this variant is rare. At this time, the clinical significance of this variant is uncertain due to the absence of conclusive functional and genetic evidence.